The following is an entry in ClinVar:

NM_000215.4(JAK3):c.586C>T (p.Pro196Ser)

Gene: JAK3 (Janus kinase 3; minus strand). Cytogenetic location: 19p13.11.
Variant type: single nucleotide variant.
Coding change: c.586C>T on transcript NM_000215.4 (MANE Select); coding-DNA position 586, C replaced by T.
Protein change: p.Pro196Ser; replaces proline 196 with serine.
Molecular consequence: missense variant.
Genome position (GRCh38, 1-based): chr19:17,842,591, G>A on the plus strand (C>T on the coding strand, the complement: JAK3 is on the minus strand). VCF-style: chr19-17842591-G-A. GRCh37 (hg19) VCF-style: chr19-17953400-G-A.
Other names: short protein forms P196S.
Identifiers: ClinVar variation 3629185 (VCV003629185.2).

ClinVar aggregate classification (germline): Uncertain significance (1 of 4 stars; one submission).

Conditions:
T-B+ severe combined immunodeficiency due to JAK3 deficiency. Also called: SCID, T CELL-NEGATIVE, B CELL-POSITIVE, NK CELL-NEGATIVE; SCID, autosomal recessive, T-negative/B-positive type. Identifiers: Orphanet 35078, MedGen C1833275, MONDO:0010938, OMIM 600802.

gnomAD v4.1: 16 of 1,581,460 alleles (0.001%); highest among the groups gnomAD compares: Non-Finnish European, 0.0012%; no homozygotes.

Submission:

Labcorp Genetics (formerly Invitae), Labcorp
Classification: Uncertain significance for T-B+ severe combined immunodeficiency due to JAK3 deficiency. Last evaluated: 2024-07-10. Review status: criteria provided, single submitter. Criteria: Invitae Variant Classification Sherloc (09022015). Collection method: clinical testing. Allele origin: germline.
Comment: This sequence change replaces proline, which is neutral and non-polar, with serine, which is neutral and polar, at codon 196 of the JAK3 protein (p.Pro196Ser). This variant is not present in population databases (gnomAD no frequency). This variant has not been reported in the literature in individuals affected with JAK3-related conditions. Advanced modeling of protein sequence and biophysical properties (such as structural, functional, and spatial information, amino acid conservation, physicochemical variation, residue mobility, and thermodynamic stability) performed at Invitae indicates that this missense variant is not expected to disrupt JAK3 protein function with a negative predictive value of 80%. In summary, the available evidence is currently insufficient to determine the role of this variant in disease. Therefore, it has been classified as a Variant of Uncertain Significance.